The following is an entry in ClinVar:

ClinVar aggregate classification (germline): Uncertain significance (1 of 4 stars; one submission).

gnomAD v4.1: 7 of 1,614,068 alleles (0.00043%); highest among the groups gnomAD compares: Middle Eastern, 0.016%; no homozygotes.

Submission:

Ambry Genetics
Classification: Uncertain significance. Last evaluated: 2025-03-02. Review status: criteria provided, single submitter. Criteria: Ambry Variant Classification Scheme 2023. Collection method: clinical testing. Allele origin: germline.
Comment: The p.R2077H variant (also known as c.6230G>A), located in coding exon 26 of the WNK2 gene, results from a G to A substitution at nucleotide position 6230. The arginine at codon 2077 is replaced by histidine, an amino acid with highly similar properties. This amino acid position is conserved. In addition, the in silico prediction for this alteration is inconclusive. Based on the available evidence, the clinical significance of this variant remains unclear.

NM_006648.4(WNK2):c.6230G>A (p.Arg2077His)

Gene: WNK2 (WNK lysine deficient protein kinase 2; plus strand). Cytogenetic location: 9q22.31.
Variant type: single nucleotide variant.
Coding change: c.6230G>A on transcript NM_006648.4 (MANE Select); coding-DNA position 6230, G replaced by A.
Protein change: p.Arg2077His; replaces arginine 2077 with histidine.
Molecular consequence: missense variant.
Genome position (GRCh38, 1-based): chr9:93,306,792, G>A. VCF-style: chr9-93306792-G-A. GRCh37 (hg19) VCF-style: chr9-96069074-G-A.
Other names: c.6341G>A, p.Arg2114His (NM_001282394.3); short protein forms R2114H, R2077H.
Identifiers: ClinVar variation 3817195 (VCV003817195.1).